The following is an entry in ClinVar:

ClinVar aggregate classification (germline): Uncertain significance (0 of 4 stars; one submission).

Submission:

ISCA site 1
Classification: Uncertain significance. Last evaluated: 2018-02-09. Review status: no assertion criteria provided. Collection method: clinical testing. Allele origin: unknown. Affected: yes. Observed: 2 variant alleles.
Comment: Unsure if coding sequence included due to older array design

Copy number variation identified through the course of routine clinical cytogenomic testing in postnatal populations, with clinical assertions as classified by the original submitter. For data from the original published study, Kaminsky, et al. 2011 (PubMed 21844811), please see nstd101.

GRCh38/hg38 2p16.3(chr2:50856272-50915770)x1

Gene: NRXN1 (neurexin 1; minus strand). Cytogenetic location: 2p16.3.
Variant type: copy number loss.
Change: copy number 1 (one copy instead of two) of chr2:50,856,272-50,915,770 (59.5 kb, GRCh38 coordinates, 1-based), cytogenetic band 2p16.3.
Identifiers: ClinVar variation 144735 (VCV000144735.4).